The following is an entry in ClinVar:

NM_005609.4(PYGM):c.1172A>C (p.His391Pro)

Gene: PYGM (glycogen phosphorylase, muscle associated; minus strand). Cytogenetic location: 11q13.1.
Variant type: single nucleotide variant.
Coding change: c.1172A>C on transcript NM_005609.4 (MANE Select); coding-DNA position 1172, A replaced by C.
Protein change: p.His391Pro; replaces histidine 391 with proline.
Molecular consequence: missense variant.
Genome position (GRCh38, 1-based): chr11:64,753,946, T>G on the plus strand (A>C on the coding strand, the complement: PYGM is on the minus strand). VCF-style: chr11-64753946-T-G. GRCh37 (hg19) VCF-style: chr11-64521418-T-G.
Other names: c.908A>C, p.His303Pro (NM_001164716.1); short protein forms H303P, H391P.
Identifiers: ClinVar variation 2539983 (VCV002539983.3), dbSNP rs1592411679, ClinGen allele CA381176588.

ClinVar aggregate classification (germline): Uncertain significance. Review status: criteria provided, multiple submitters, no conflicts (2 of 4 stars). 2 submissions from 2 submitters: Uncertain significance (2). Last evaluated 2025-11-25.

Conditions:
Inborn genetic diseases. Identifiers: MedGen C0950123, MeSH D030342.
Glycogen storage disease, type V (GSD5). Also called: McArdle type glycogen storage disease; MCARDLE DISEASE; MUSCLE GLYCOGEN PHOSPHORYLASE DEFICIENCY; MYOPHOSPHORYLASE DEFICIENCY; PYGM DEFICIENCY. Identifiers: Orphanet 368, MedGen C0017924, MONDO:0009293, OMIM 232600.

Allele frequency attached by ClinVar (database versions not stated): TOPMed below 0.00001; gnomAD 0.00001.
gnomAD v4.1: 2 of 1,600,862 alleles (0.00012%); highest among the groups gnomAD compares: Non-Finnish European, 0.00017%; no homozygotes.

Submissions (2):

Labcorp Genetics (formerly Invitae), Labcorp
Classification: Uncertain significance for Glycogen storage disease, type V. Last evaluated: 2025-11-25. Review status: criteria provided, single submitter. Criteria: Invitae Variant Classification Sherloc (09022015). Collection method: clinical testing. Allele origin: germline.
Comment: This sequence change replaces histidine, which is basic and polar, with proline, which is neutral and non-polar, at codon 391 of the PYGM protein (p.His391Pro). This variant is not present in population databases (gnomAD no frequency). This variant has not been reported in the literature in individuals affected with PYGM-related conditions. ClinVar contains an entry for this variant (Variation ID: 2539983). Invitae Evidence Modeling of protein sequence and biophysical properties (such as structural, functional, and spatial information, amino acid conservation, physicochemical variation, residue mobility, and thermodynamic stability) indicates that this missense variant is not expected to disrupt PYGM protein function with a negative predictive value of 95%. In summary, the available evidence is currently insufficient to determine the role of this variant in disease. Therefore, it has been classified as a Variant of Uncertain Significance.

Ambry Genetics
Classification: Uncertain significance for Inborn genetic diseases. Last evaluated: 2023-04-25. Review status: criteria provided, single submitter. Criteria: Ambry Variant Classification Scheme 2023. Collection method: clinical testing. Allele origin: germline.